The following is an entry in ClinVar:

ClinVar aggregate classification (germline): Uncertain significance (1 of 4 stars; one submission).

Conditions:
Gorlin syndrome. Also called: Basal cell nevus syndrome; Nevoid Basal Cell Carcinoma Syndrome. Identifiers: Orphanet 377, MedGen C0004779, MONDO:0007187.

Submission:

Labcorp Genetics (formerly Invitae), Labcorp
Classification: Uncertain significance for Gorlin syndrome. Last evaluated: 2022-07-25. Review status: criteria provided, single submitter. Criteria: Invitae Variant Classification Sherloc (09022015). Collection method: clinical testing. Allele origin: germline.
Comment: This variant has not been reported in the literature in individuals affected with PTCH1-related conditions. Advanced modeling of protein sequence and biophysical properties (such as structural, functional, and spatial information, amino acid conservation, physicochemical variation, residue mobility, and thermodynamic stability) performed at Invitae indicates that this missense variant is not expected to disrupt PTCH1 protein function. In summary, the available evidence is currently insufficient to determine the role of this variant in disease. Therefore, it has been classified as a Variant of Uncertain Significance. This variant is not present in population databases (gnomAD no frequency). This sequence change replaces methionine, which is neutral and non-polar, with isoleucine, which is neutral and non-polar, at codon 587 of the PTCH1 protein (p.Met587Ile).

NM_000264.5(PTCH1):c.1761G>T (p.Met587Ile)

Genes: PTCH1 (patched 1; minus strand), LOC100507346 (uncharacterized LOC100507346; plus strand). Cytogenetic location: 9q22.32.
Variant type: single nucleotide variant.
Coding change: c.1761G>T on transcript NM_000264.5 (MANE Select); coding-DNA position 1761, G replaced by T.
Protein change: p.Met587Ile; replaces methionine 587 with isoleucine.
Molecular consequence: missense variant. On other transcripts: non-coding transcript variant (2).
Genome position (GRCh38, 1-based): chr9:95,469,899, C>A on the plus strand (G>T on the coding strand, the complement: PTCH1 is on the minus strand). VCF-style: chr9-95469899-C-A. GRCh37 (hg19) VCF-style: chr9-98232181-C-A.
Other names: c.1563G>T, p.Met521Ile (NM_001083602.3); c.1758G>T, p.Met586Ile (NM_001083603.3); c.1308G>T, p.Met436Ile (NM_001083604.3, NM_001083605.3, NM_001083606.3 and 1 more transcripts); c.1605G>T, p.Met535Ile (NM_001354918.2); short protein forms M521I, M587I, M535I, M436I, M586I.
Identifiers: ClinVar variation 1961927 (VCV001961927.5), dbSNP rs2118095711, ClinGen allele CA374116407.